The following is an entry in ClinVar:

ClinVar aggregate classification (germline): Likely pathogenic. Review status: reviewed by expert panel (3 of 4 stars). 7 submissions from 7 submitters: Likely pathogenic (1). 6 of the submissions do not count toward it. Last evaluated 2022-02-22.

Conditions:
Very long chain acyl-CoA dehydrogenase deficiency (ACADVLD). Also called: Very Long-Chain Acyl-Coenzyme A Dehydrogenase Deficiency; VLCAD Deficiency. Identifiers: Orphanet 26793, MedGen C3887523, MONDO:0008723, OMIM 201475.

gnomAD v4.1: 4 of 1,614,174 alleles (0.00025%); highest among the groups gnomAD compares: Non-Finnish European, 0.00034%; no homozygotes.

Submissions (7):

ClinGen ACADVL Variant Curation Expert Panel, ClinGen
Classification: Likely pathogenic for Very long chain acyl-CoA dehydrogenase deficiency. Last evaluated: 2022-02-22. Review status: reviewed by expert panel. Criteria: clingen acadvl acmg specifications v1. Collection method: curation. Allele origin: germline. Inheritance: Autosomal recessive inheritance.
Comment: The c199A>T (p.Lys67Ter) variant in ACADVL is a nonsense variant predicted to cause a premature stop codon in biologically-relevant-exon 3/20 leading to nonsense mediated decay in a gene in which loss-of-function is an established disease mechanism (PVS1; PMIDs 9973285, 11590124). The variant has been identified in at least one individual identified by newborn screen for very long chain acyl CoA dehydrogenase (VLCAD) deficiency without an additional ACADVL variant identified or assertion of follow-up plasma acylcarnitines (PMID: 26385305). This variant is absent from gnomAD v2.1.1 (PM2_Supporting). To our knowledge, functional assays have not been reported for this variant. In summary, this variant meets the criteria to be classified as LIKELY PATHOGENIC for autosomal recessive very long chain acyl-CoA dehydrogenase (VLCAD) deficiency based on the ACMG/AMP criteria applied, as specified by the ClinGen ACADVL Variant Curation Expert Panel: PVS1, PM2_Supporting. VCEP specifications v2.0; Approved on 08/12/2021.

Labcorp Genetics (formerly Invitae), Labcorp
Classification: Pathogenic for Very long chain acyl-CoA dehydrogenase deficiency. Last evaluated: 2025-11-26. Review status: criteria provided, single submitter. Criteria: Invitae Variant Classification Sherloc (09022015). Collection method: clinical testing. Allele origin: germline. Not counted in ClinVar's aggregate classification.
Comment: This sequence change creates a premature translational stop signal (p.Lys67*) in the ACADVL gene. It is expected to result in an absent or disrupted protein product. Loss-of-function variants in ACADVL are known to be pathogenic (PMID: 9973285, 11590124). This variant is not present in population databases (gnomAD no frequency). This premature translational stop signal has been observed in individual(s) with clinical features of ACADVL-related disorders (PMID: 26385305). ClinVar contains an entry for this variant (Variation ID: 617952). Algorithms developed to predict the effect of sequence changes on RNA splicing suggest that this variant may disrupt the consensus splice site. For these reasons, this variant has been classified as Pathogenic.

Dasa
Classification: Likely pathogenic. Last evaluated: 2025-05-12. Review status: criteria provided, single submitter. Criteria: DASA Assertion Criteria. Collection method: clinical testing. Allele origin: germline. Not counted in ClinVar's aggregate classification.
Comment: NM_000018.4(ACADVL):c.199A>T (p.Lys67*) is a nonsense variant in ACADVL predicted to introduce a premature termination codon and is predicted to result in an absent or altered protein product. Loss of function is an established disease mechanism for ACADVL-associated disorders. Also, this variant is rare in population databases. Based on the currently available evidence, this variant is classified as likely pathogenic.

Baylor Genetics
Classification: Likely pathogenic for Very long chain acyl-CoA dehydrogenase deficiency. Last evaluated: 2023-08-02. Review status: criteria provided, single submitter. Criteria: ACMG Guidelines, 2015. Collection method: clinical testing. Allele origin: unknown. Not counted in ClinVar's aggregate classification.

Wong Mito Lab, Molecular and Human Genetics, Baylor College of Medicine
Classification: Pathogenic for Very long chain acyl-CoA dehydrogenase deficiency. Last evaluated: 2019-11-01. Review status: criteria provided, single submitter. Criteria: ACMG Guidelines, 2015. Collection method: clinical testing. Allele origin: germline. Not counted in ClinVar's aggregate classification.
Comment: The NM_000018.3:c.199A>T (NP_000009.1:p.Lys67Ter) [GRCH38: NC_000017.11:g.7220524A>T] variant in ACADVL gene is interpretated to be Pathogenic based on ACMG guidelines (PMID: 25741868). This variant has been reported. This variant meets the following evidence codes reported in the ACMG guidelines: PVS1, PS3

ARUP Laboratories, Molecular Genetics and Genomics, ARUP Laboratories
Classification: Pathogenic for Very long chain acyl-CoA dehydrogenase deficiency. Last evaluated: 2019-08-22. Review status: criteria provided, single submitter. Criteria: ARUP Molecular Germline Variant Investigation Process. Collection method: clinical testing. Allele origin: germline. Not counted in ClinVar's aggregate classification.
Comment: The ACADVL c.199A>T; p.Lys67Ter variant (rs765432568) is reported in the literature in a positive newborn screen for very long chain acyl-coA dehydrogenase (VLCAD) deficiency (Miller 2015). This variant is reported in ClinVar (Variation ID: 617952), and is absent from general population databases (Exome Variant Server, Genome Aggregation Database), indicating it is not a common polymorphism. This variant induces an early termination codon and is predicted to result in a truncated protein or mRNA subject to nonsense-mediated decay. Based on available information, this variant is considered to be pathogenic. References: Miller MJ et al. Recurrent ACADVL molecular findings in individuals with a positive newborn screen for very long chain acyl-coA dehydrogenase (VLCAD) deficiency in the United States. Mol Genet Metab. 2015 Nov;116(3):139-45.

Mendelics
Classification: Pathogenic for Very long chain acyl-CoA dehydrogenase deficiency. Last evaluated: 2019-05-28. Review status: criteria provided, single submitter. Criteria: Mendelics Assertion Criteria 2017. Collection method: clinical testing. Allele origin: unknown. Not counted in ClinVar's aggregate classification.

Literature cited by the submitters: PubMed 9973285 (cited by Labcorp Genetics (formerly Invitae), Labcorp); PubMed 11590124 (cited by Labcorp Genetics (formerly Invitae), Labcorp); PubMed 26385305 (cited by Labcorp Genetics (formerly Invitae), Labcorp).

NM_000018.4(ACADVL):c.199A>T (p.Lys67Ter)

Gene: ACADVL (acyl-CoA dehydrogenase very long chain; plus strand). Cytogenetic location: 17p13.1.
Variant type: single nucleotide variant.
Coding change: c.199A>T on transcript NM_000018.4 (MANE Select); coding-DNA position 199, A replaced by T.
Protein change: p.Lys67Ter; replaces lysine 67 with a stop codon.
Molecular consequence: nonsense. On other transcripts: 5 prime UTR variant (1), intron variant (1).
Genome position (GRCh38, 1-based): chr17:7,220,524, A>T. VCF-style: chr17-7220524-A-T. GRCh37 (hg19) VCF-style: chr17-7123843-A-T.
Other names: NM_000018.4(ACADVL):c.199A>T; p.Lys67Ter; c.268A>T, p.Lys90Ter (NM_001270447.2); c.-30A>T (NM_001270448.2); c.139-80A>T (NM_001033859.3); short protein forms K67*, K90*.
Identifiers: ClinVar variation 617952 (VCV000617952.23), dbSNP rs765432568, ClinGen allele CA287434293.
Genomic context (GRCh38, chr17:7,220,524, plus strand): 5'-CTGGCTCTGGACAAGTCAGATTCCCACCCCTCTGACGCTCTGACCAGGAAAAAACCGGCC[A>T]AGGCGGTAGGTAGCCCCGAGGCCAGGTGGACCTTAGCCAGACCCAACCAGAGCCCTGAAA-3'